The following is an entry in ClinVar:

NM_005633.4(SOS1):c.2045T>C (p.Ile682Thr)

Gene: SOS1 (SOS Ras/Rac guanine nucleotide exchange factor 1; minus strand). Cytogenetic location: 2p22.1.
Variant type: single nucleotide variant.
Coding change: c.2045T>C on transcript NM_005633.4 (MANE Select); coding-DNA position 2045, T replaced by C.
Protein change: p.Ile682Thr; replaces isoleucine 682 with threonine.
Molecular consequence: missense variant.
Genome position (GRCh38, 1-based): chr2:39,013,885, A>G on the plus strand (T>C on the coding strand, the complement: SOS1 is on the minus strand). VCF-style: chr2-39013885-A-G. GRCh37 (hg19) VCF-style: chr2-39241026-A-G.
Other names: c.2024T>C, p.Ile675Thr (NM_001382394.1); c.2045T>C, p.Ile682Thr (NM_001382395.1); short protein forms I675T, I682T.
Identifiers: ClinVar variation 3063992 (VCV003063992.1), dbSNP rs1669542384, ClinGen allele CA346364785.

ClinVar aggregate classification (germline): Uncertain significance (1 of 4 stars; one submission).

Allele frequency attached by ClinVar (database versions not stated): gnomAD exomes below 0.00001; TOPMed below 0.00001.
gnomAD v4.1: 1 of 1,609,730 alleles (0.000062%); highest among the groups gnomAD compares: Non-Finnish European, 0.000085%; no homozygotes.

Submission:

Women's Health and Genetics/Laboratory Corporation of America, LabCorp
Classification: Uncertain significance. Last evaluated: 2024-01-19. Review status: criteria provided, single submitter. Criteria: LabCorp Variant Classification Summary - May 2015. Collection method: clinical testing. Allele origin: germline.
Comment: Variant summary: SOS1 c.2045T>C (p.Ile682Thr) results in a non-conservative amino acid change located in the Ras-like guanine nucleotide exchange factor, N-terminal domain (IPR000651) of the encoded protein sequence. Three of five in-silico tools predict a damaging effect of the variant on protein function. The variant was absent in 250262 control chromosomes. The available data on variant occurrences in the general population are insufficient to allow any conclusion about variant significance. To our knowledge, no occurrence of c.2045T>C in individuals affected with Noonan Syndrome And Related Conditions and no experimental evidence demonstrating its impact on protein function have been reported. No submitters have cited clinical-significance assessments for this variant to ClinVar. Based on the evidence outlined above, the variant was classified as uncertain significance.